The following is an entry in ClinVar:

ClinVar aggregate classification (germline): Uncertain significance. Review status: criteria provided, multiple submitters, no conflicts (2 of 4 stars). 2 submissions from 2 submitters: Uncertain significance (2). Last evaluated 2024-06-13.

Conditions:
Spermatogenic failure 18. Identifiers: MedGen C4539783, MONDO:0054615, OMIM 617576.
Ciliary dyskinesia, primary, 37 (CILD37). Also called: CILIARY DYSKINESIA, PRIMARY, 37, WITH OR WITHOUT SITUS INVERSUS. Identifiers: MedGen C4539798, MONDO:0033204, OMIM 617577.

gnomAD v4.1: 8 of 1,613,498 alleles (0.0005%); highest among the groups gnomAD compares: Non-Finnish European, 0.00059%; no homozygotes.

Submissions (2):

Ambry Genetics
Classification: Uncertain significance. Last evaluated: 2024-06-13. Review status: criteria provided, single submitter. Criteria: Ambry Variant Classification Scheme 2023. Collection method: clinical testing. Allele origin: germline.

Labcorp Genetics (formerly Invitae), Labcorp
Classification: Uncertain significance for Ciliary dyskinesia, primary, 37; Spermatogenic failure 18. Last evaluated: 2024-02-02. Review status: criteria provided, single submitter. Criteria: Invitae Variant Classification Sherloc (09022015). Collection method: clinical testing. Allele origin: germline.
Comment: This sequence change replaces alanine, which is neutral and non-polar, with valine, which is neutral and non-polar, at codon 2902 of the DNAH1 protein (p.Ala2902Val). This variant is not present in population databases (gnomAD no frequency). This variant has not been reported in the literature in individuals affected with DNAH1-related conditions. Advanced modeling of protein sequence and biophysical properties (such as structural, functional, and spatial information, amino acid conservation, physicochemical variation, residue mobility, and thermodynamic stability) performed at Invitae indicates that this missense variant is not expected to disrupt DNAH1 protein function with a negative predictive value of 80%. In summary, the available evidence is currently insufficient to determine the role of this variant in disease. Therefore, it has been classified as a Variant of Uncertain Significance.

NM_015512.5(DNAH1):c.8705C>T (p.Ala2902Val)

Gene: DNAH1 (dynein axonemal heavy chain 1; plus strand). Cytogenetic location: 3p21.1.
Variant type: single nucleotide variant.
Coding change: c.8705C>T on transcript NM_015512.5 (MANE Select); coding-DNA position 8705, C replaced by T.
Protein change: p.Ala2902Val; replaces alanine 2902 with valine.
Molecular consequence: missense variant.
Genome position (GRCh38, 1-based): chr3:52,386,239, C>T. VCF-style: chr3-52386239-C-T. GRCh37 (hg19) VCF-style: chr3-52420255-C-T.
Other names: short protein forms A2902V.
Identifiers: ClinVar variation 3272548 (VCV003272548.3).
Genomic context (GRCh38, chr3:52,386,239, plus strand): 5'-AGGAGACCCGGAATTCAGTGCAGACAGAGGAGATCAAAGCCAATGAGAAGGCCAAGAAGG[C>T]ACAAGCTATTGCTGACGATGCCCAGAAGGACCTGGACGAGGCGTTGCCAGCCCTGGATGC-3'
Protein context (NP_056327.4, residues 2892-2912): EIKANEKAKK[Ala2902Val]QAIADDAQKD